The following is an entry in ClinVar:

ClinVar aggregate classification (germline): Pathogenic. Review status: criteria provided, single submitter (1 of 4 stars). 2 submissions from 2 submitters: Pathogenic (1). 1 of the submissions does not count toward it. Last evaluated 2025-03-04.

Conditions:
Epidermolytic hyperkeratosis 1 (EHK1). Also called: BULLOUS ERYTHRODERMA ICHTHYOSIFORMIS CONGENITA OF BROCQ; BULLOUS CONGENITAL ICHTHYOSIFORM ERYTHRODERMA. Identifiers: MedGen C5781874, MONDO:0700249, OMIM 113800.

Submissions (2):

Institute of Human Genetics, University of Leipzig Medical Center
Classification: Pathogenic for Epidermolytic hyperkeratosis 1. Last evaluated: 2025-03-04. Review status: criteria provided, single submitter. Criteria: ACMG Guidelines, 2015. Collection method: clinical testing. Allele origin: unknown. Inheritance: Autosomal dominant inheritance. Affected: yes.
Comment: Criteria applied: PM5_STR,PM1,PM2,PS4_SUP,PP3

Epithelial Biology;  Institute of Medical Biology, Singapore
No classification provided. Review status: no classification provided. Collection method: not provided. Allele origin: not provided. Not counted in ClinVar's aggregate classification.

NM_006121.4(KRT1):c.1432G>C (p.Glu478Gln)

Gene: KRT1 (keratin 1; minus strand). Cytogenetic location: 12q13.13.
Variant type: single nucleotide variant.
Coding change: c.1432G>C on transcript NM_006121.4 (MANE Select); coding-DNA position 1432, G replaced by C.
Protein change: p.Glu478Gln; replaces glutamic acid 478 with glutamine.
Molecular consequence: missense variant.
Genome position (GRCh38, 1-based): chr12:52,676,318, C>G on the plus strand (G>C on the coding strand, the complement: KRT1 is on the minus strand). VCF-style: chr12-52676318-C-G. GRCh37 (hg19) VCF-style: chr12-53070102-C-G.
Other names: short protein forms E478Q.
Identifiers: ClinVar variation 66626 (VCV000066626.2), dbSNP rs59089201, ClinGen allele CA217421.